The following is an entry in ClinVar:

NM_014555.4(TRPM5):c.796C>T (p.Leu266=)

Gene: TRPM5 (transient receptor potential cation channel subfamily M member 5; minus strand). Cytogenetic location: 11p15.5.
Variant type: single nucleotide variant.
Coding change: c.796C>T on transcript NM_014555.4 (MANE Select); coding-DNA position 796, C replaced by T.
Protein change: p.Leu266=; no amino-acid change (leucine 266 retained).
Molecular consequence: synonymous variant.
Genome position (GRCh38, 1-based): chr11:2,418,277, G>A on the plus strand (C>T on the coding strand, the complement: TRPM5 is on the minus strand). VCF-style: chr11-2418277-G-A. GRCh37 (hg19) VCF-style: chr11-2439507-G-A.
Identifiers: ClinVar variation 2641361 (VCV002641361.24), dbSNP rs200637642, ClinGen allele CA5821743.
Genomic context (GRCh38, chr11:2,418,277, plus strand): 5'-ACTTCTCCTTAAACTGCTTCTCGGCCACCTTGGGCACCAGGAGGTGGGGCTGGTTCACTA[G>A]GGCAGCAAGCACATCGGCGATGCCCCCCGAGCCTACCAGGATCAGCCACGGGGCAGCCTG-3'
Protein context (NP_055370.1, residues 256-276): SGGIADVLAA[Leu266=]VNQPHLLVPK

ClinVar aggregate classification (germline): Likely benign (1 of 4 stars; one submission).

Allele frequency attached by ClinVar (database versions not stated): ESP Exome Variant Server 0.00062; 1000 Genomes Project 30x 0.00031.
gnomAD v4.1: 1,800 of 1,581,086 alleles (0.11%); highest among the groups gnomAD compares: Non-Finnish European, 0.14%; 2 homozygotes.

Submission:

CeGaT Center for Human Genetics Tuebingen
Classification: Likely benign. Last evaluated: 2023-01-01. Review status: criteria provided, single submitter. Criteria: CeGaT Center For Human Genetics Tuebingen Variant Classification Criteria Version 2. Collection method: clinical testing. Allele origin: germline. Affected: yes. Observed: 1 variant allele.
Comment: TRPM5: BP4, BP7